The following is an entry in ClinVar:

ClinVar aggregate classification (germline): Pathogenic (1 of 4 stars; one submission).

Conditions:
Primary ciliary dyskinesia 9. Also called: CILIARY DYSKINESIA, PRIMARY, 9, WITH OR WITHOUT SITUS INVERSUS. Identifiers: Orphanet 244, MedGen C2676235, MONDO:0012906, OMIM 612444.

Submission:

Myriad Genetics, Inc.
Classification: Pathogenic for Primary ciliary dyskinesia 9. Last evaluated: 2023-09-19. Review status: criteria provided, single submitter. Criteria: Myriad Autosomal Dominant, Autosomal Recessive and X-Linked Classification Criteria (2023). Collection method: clinical testing. Allele origin: unknown.
Comment: NM_023036.4(DNAI2):c.516delC(D173Mfs*22) is expected to be pathogenic in the context of primary ciliary dyskinesia, DNAI2-related. This variant is predicted to lead to an abnormal or absent protein product due to the creation of a premature termination codon in DNAI2, a gene where loss-of-function variants are known to be pathogenic. Please note: this variant was assessed in the context of healthy population screening.

NM_023036.6(DNAI2):c.516del (p.Asp173fs)

Gene: DNAI2 (dynein axonemal intermediate chain 2; plus strand). Cytogenetic location: 17q25.1.
Variant type: Deletion.
Coding change: c.516del on transcript NM_023036.6 (MANE Select); coding-DNA position 516, one base deleted (C; older notation c.516delC).
Protein change: p.Asp173fs; shifts the reading frame from aspartic acid 173.
Molecular consequence: frameshift variant. On other transcripts: non-coding transcript variant (1).
Genome position (GRCh38, 1-based): chr17:74,289,642, C deleted; the last of 4 consecutive C bases (chr17:74,289,639-74,289,642); deleting any one gives the same sequence. VCF-style (leftmost placement, unchanged base first): chr17-74289638-AC-A. GRCh37 (hg19) VCF-style: chr17-72285777-AC-A.
Other names: c.516del, p.Asp173fs (NM_001172810.3, NM_001353167.2); short protein forms D173fs.
Identifiers: ClinVar variation 5011693 (VCV005011693.1).
Genomic context (GRCh38, chr17:74,289,638, plus strand): 5'-TCCCTCTCCCCTGCAGGGACCCCCAGGAAATCAAGAGGGCTGCCACACACCTCTCCTGGC[AC>A]CCCGATGGCAACAGGAAGTTGGCAGTGGCATACTCCTGCTTGGATTTTCAGCGGGCACCT-3'